The following is an entry in ClinVar:

NM_001378454.1(ALMS1):c.11373T>G (p.Ile3791Met)

Gene: ALMS1 (ALMS1 centrosome and basal body associated protein; plus strand). Cytogenetic location: 2p13.1.
Variant type: single nucleotide variant.
Coding change: c.11373T>G on transcript NM_001378454.1 (MANE Select); coding-DNA position 11373, T replaced by G.
Protein change: p.Ile3791Met; replaces isoleucine 3791 with methionine.
Molecular consequence: missense variant.
Genome position (GRCh38, 1-based): chr2:73,573,250, T>G. VCF-style: chr2-73573250-T-G. GRCh37 (hg19) VCF-style: chr2-73800377-T-G.
Other names: c.11376T>G, p.Ile3792Met (NM_015120.4); short protein forms I3791M, I3792M.
Identifiers: ClinVar variation 1468353 (VCV001468353.3), dbSNP rs758244336, ClinGen allele CA1715175.

ClinVar aggregate classification (germline): Uncertain significance (1 of 4 stars; one submission).

Conditions:
Alstrom syndrome (ALMS). Identifiers: Orphanet 64, MedGen C0268425, MONDO:0008763, OMIM 203800.

Allele frequency attached by ClinVar (database versions not stated): gnomAD exomes below 0.00001; TOPMed below 0.00001; ExAC 0.00001; gnomAD 0.00001; 1000 Genomes Project 30x 0.00031.
gnomAD v4.1: 4 of 1,613,768 alleles (0.00025%); highest among the groups gnomAD compares: South Asian, 0.0044%; no homozygotes.

Submission:

Labcorp Genetics (formerly Invitae), Labcorp
Classification: Uncertain significance for Alstrom syndrome. Last evaluated: 2021-08-27. Review status: criteria provided, single submitter. Criteria: Invitae Variant Classification Sherloc (09022015). Collection method: clinical testing. Allele origin: germline.
Comment: This sequence change replaces isoleucine with methionine at codon 3792 of the ALMS1 protein (p.Ile3792Met). The isoleucine residue is moderately conserved and there is a small physicochemical difference between isoleucine and methionine. This variant is present in population databases (rs758244336, ExAC 0.006%). This variant has not been reported in the literature in individuals affected with ALMS1-related conditions. Experimental studies and prediction algorithms are not available or were not evaluated, and the functional significance of this variant is currently unknown. In summary, the available evidence is currently insufficient to determine the role of this variant in disease. Therefore, it has been classified as a Variant of Uncertain Significance.